The following is an entry in ClinVar:

NM_002693.3(POLG):c.1704_1712+1del

Gene: POLG (DNA polymerase gamma, catalytic subunit; minus strand). Cytogenetic location: 15q26.1.
Variant type: Deletion.
Coding change: c.1704_1712+1del on transcript NM_002693.3 (MANE Select); coding-DNA position 1704 through the canonical splice donor site of the intron after coding-DNA position 1712, 10 bases deleted (ACACCCTGGG; older notation c.1704_1712+1delACACCCTGGG).
Molecular consequence: splice donor variant.
Genome position (GRCh38, 1-based): chr15:89,326,611-89,326,620, CCCAGGGTGT deleted on the plus strand (ACACCCTGGG on the coding strand, the reverse complement: POLG is on the minus strand); deleting any 10 consecutive bases within chr15:89,326,611-89,326,622 gives the same sequence; the c. name uses the placement nearest the transcript's 3' end. VCF-style (leftmost placement, unchanged base first): chr15-89326610-ACCCAGGGTGT-A. GRCh37 (hg19) VCF-style: chr15-89869841-ACCCAGGGTGT-A.
Other names: c.1704_1712+1del (NM_001126131.2).
Identifiers: ClinVar variation 2790640 (VCV002790640.3), dbSNP rs2509252746, ClinGen allele CA2739269677.

ClinVar aggregate classification (germline): Pathogenic (1 of 4 stars; one submission).

Conditions:
Progressive sclerosing poliodystrophy (MTDPS4A). Also called: ALPERS PROGRESSIVE INFANTILE POLIODYSTROPHY; NEURONAL DEGENERATION OF CHILDHOOD WITH LIVER DISEASE, PROGRESSIVE; Alpers Syndrome; ALPERS DIFFUSE DEGENERATION OF CEREBRAL GRAY MATTER WITH HEPATIC CIRRHOSIS; Alpers-Huttenlocher Syndrome; Mitochondrial DNA Depletion Syndrome 4A. Identifiers: Orphanet 726, MedGen C0205710, MONDO:0008758, OMIM 203700.

Submission:

Labcorp Genetics (formerly Invitae), Labcorp
Classification: Pathogenic for Progressive sclerosing poliodystrophy. Last evaluated: 2023-04-12. Review status: criteria provided, single submitter. Criteria: Invitae Variant Classification Sherloc (09022015). Collection method: clinical testing. Allele origin: germline.
Comment: This sequence change creates a premature translational stop signal (p.Gly568Aspfs*10) in the POLG gene. It is expected to result in an absent or disrupted protein product. Loss-of-function variants in POLG are known to be pathogenic (PMID: 18546365). This variant is not present in population databases (gnomAD no frequency). This variant has not been reported in the literature in individuals affected with POLG-related conditions. This variant is also known as c.1704_1712+1del. Algorithms developed to predict the effect of sequence changes on RNA splicing suggest that this variant may disrupt the consensus splice site. For these reasons, this variant has been classified as Pathogenic.

Literature cited by the submitters: PubMed 18546365.